The following is an entry in ClinVar:

ClinVar aggregate classification (germline): Uncertain significance (1 of 4 stars; one submission).

Submission:

Labcorp Genetics (formerly Invitae), Labcorp
Classification: Uncertain significance. Last evaluated: 2022-07-25. Review status: criteria provided, single submitter. Criteria: Invitae Variant Classification Sherloc (09022015). Collection method: clinical testing. Allele origin: germline.
Comment: In summary, the available evidence is currently insufficient to determine the role of this variant in disease. Therefore, it has been classified as a Variant of Uncertain Significance. Advanced modeling of protein sequence and biophysical properties (such as structural, functional, and spatial information, amino acid conservation, physicochemical variation, residue mobility, and thermodynamic stability) performed at Invitae indicates that this missense variant is not expected to disrupt COL4A1 protein function. This variant has not been reported in the literature in individuals affected with COL4A1-related conditions. This variant is not present in population databases (gnomAD no frequency). This sequence change replaces aspartic acid, which is acidic and polar, with histidine, which is basic and polar, at codon 1443 of the COL4A1 protein (p.Asp1443His).

NM_001845.6(COL4A1):c.4327G>C (p.Asp1443His)

Gene: COL4A1 (collagen type IV alpha 1 chain; minus strand). Cytogenetic location: 13q34.
Variant type: single nucleotide variant.
Coding change: c.4327G>C on transcript NM_001845.6 (MANE Select); coding-DNA position 4327, G replaced by C.
Protein change: p.Asp1443His; replaces aspartic acid 1443 with histidine.
Molecular consequence: missense variant.
Genome position (GRCh38, 1-based): chr13:110,162,365, C>G on the plus strand (G>C on the coding strand, the complement: COL4A1 is on the minus strand). VCF-style: chr13-110162365-C-G. GRCh37 (hg19) VCF-style: chr13-110814712-C-G.
Other names: short protein forms D1443H.
Identifiers: ClinVar variation 1713813 (VCV001713813.5), dbSNP rs2501738555, ClinGen allele CA388658300.